The following is an entry in ClinVar:

ClinVar aggregate classification (germline): Uncertain significance. Review status: criteria provided, multiple submitters, no conflicts (2 of 4 stars). 2 submissions from 2 submitters: Uncertain significance (2). Last evaluated 2026-02-04.

Conditions:
Hereditary cancer-predisposing syndrome. Also called: Hereditary Cancer Syndrome; Tumor predisposition; Neoplastic Syndromes, Hereditary; Hereditary neoplastic syndrome. Identifiers: Orphanet 140162, MedGen C0027672, MeSH D009386, MONDO:0015356.

Submissions (2):

Ambry Genetics
Classification: Uncertain significance for Hereditary cancer-predisposing syndrome. Last evaluated: 2026-02-04. Review status: criteria provided, single submitter. Criteria: Ambry Variant Classification Scheme 2023. Collection method: clinical testing. Allele origin: germline.
Comment: The p.L283S variant (also known as c.848T>C), located in coding exon 6 of the FH gene, results from a T to C substitution at nucleotide position 848. The leucine at codon 283 is replaced by serine, an amino acid with dissimilar properties. This amino acid position is conserved. In addition, this alteration is predicted to be deleterious by in silico analysis. Based on the available evidence, the clinical significance of this variant remains unclear.

Labcorp Genetics (formerly Invitae), Labcorp
Classification: Uncertain significance. Last evaluated: 2019-12-04. Review status: criteria provided, single submitter. Criteria: Invitae Variant Classification Sherloc (09022015). Collection method: clinical testing. Allele origin: germline.
Comment: In summary, the available evidence is currently insufficient to determine the role of this variant in disease. Therefore, it has been classified as a Variant of Uncertain Significance. Algorithms developed to predict the effect of missense changes on protein structure and function (SIFT, PolyPhen-2, Align-GVGD) all suggest that this variant is likely to be disruptive, but these predictions have not been confirmed by published functional studies and their clinical significance is uncertain. This variant has not been reported in the literature in individuals with FH-related conditions. This variant is not present in population databases (ExAC no frequency). This sequence change replaces leucine with serine at codon 283 of the FH protein (p.Leu283Ser). The leucine residue is highly conserved and there is a large physicochemical difference between leucine and serine.

NM_000143.4(FH):c.848T>C (p.Leu283Ser)

Gene: FH (fumarate hydratase; minus strand). Cytogenetic location: 1q43.
Variant type: single nucleotide variant.
Coding change: c.848T>C on transcript NM_000143.4 (MANE Select); coding-DNA position 848, T replaced by C.
Protein change: p.Leu283Ser; replaces leucine 283 with serine.
Molecular consequence: missense variant.
Genome position (GRCh38, 1-based): chr1:241,506,059, A>G on the plus strand (T>C on the coding strand, the complement: FH is on the minus strand). VCF-style: chr1-241506059-A-G. GRCh37 (hg19) VCF-style: chr1-241669359-A-G.
Other names: short protein forms L283S.
Identifiers: ClinVar variation 836532 (VCV000836532.12), dbSNP rs1659921346, ClinGen allele CA345438903.